The following is an entry in ClinVar:

ClinVar aggregate classification (germline): Uncertain significance (1 of 4 stars; one submission).

Conditions:
Hereditary cancer-predisposing syndrome. Also called: Hereditary Cancer Syndrome; Hereditary neoplastic syndrome; Tumor predisposition; Neoplastic Syndromes, Hereditary. Identifiers: Orphanet 140162, MedGen C0027672, MeSH D009386, MONDO:0015356.

Submission:

Ambry Genetics
Classification: Uncertain significance for Hereditary cancer-predisposing syndrome. Last evaluated: 2024-07-09. Review status: criteria provided, single submitter. Criteria: Ambry Variant Classification Scheme 2023. Collection method: clinical testing. Allele origin: germline.
Comment: The p.I1246S variant (also known as c.3737T>G), located in coding exon 24 of the ALK gene, results from a T to G substitution at nucleotide position 3737. The isoleucine at codon 1246 is replaced by serine, an amino acid with dissimilar properties. This amino acid position is conserved. In addition, this alteration is predicted to be deleterious by in silico analysis. Based on the available evidence, the clinical significance of this variant remains unclear.

NM_004304.5(ALK):c.3737T>G (p.Ile1246Ser)

Gene: ALK (ALK receptor tyrosine kinase; minus strand). Cytogenetic location: 2p23.2.
Variant type: single nucleotide variant.
Coding change: c.3737T>G on transcript NM_004304.5 (MANE Select); coding-DNA position 3737, T replaced by G.
Protein change: p.Ile1246Ser; replaces isoleucine 1246 with serine.
Molecular consequence: missense variant.
Genome position (GRCh38, 1-based): chr2:29,213,990, A>C on the plus strand (T>G on the coding strand, the complement: ALK is on the minus strand). VCF-style: chr2-29213990-A-C. GRCh37 (hg19) VCF-style: chr2-29436856-A-C.
Other names: c.533T>G, p.Ile178Ser (NM_001353765.2); short protein forms I1246S, I178S.
Identifiers: ClinVar variation 3524056 (VCV003524056.1).